The following is an entry in ClinVar:

NM_014915.3(ANKRD26):c.3761A>G (p.Asp1254Gly)

Gene: ANKRD26 (ankyrin repeat domain 26; minus strand). Cytogenetic location: 10p12.1.
Variant type: single nucleotide variant.
Coding change: c.3761A>G on transcript NM_014915.3 (MANE Select); coding-DNA position 3761, A replaced by G.
Protein change: p.Asp1254Gly; replaces aspartic acid 1254 with glycine.
Molecular consequence: missense variant.
Genome position (GRCh38, 1-based): chr10:27,033,271, T>C on the plus strand (A>G on the coding strand, the complement: ANKRD26 is on the minus strand). VCF-style: chr10-27033271-T-C. GRCh37 (hg19) VCF-style: chr10-27322200-T-C.
Other names: c.3758A>G, p.Asp1253Gly (NM_001256053.2); short protein forms D1253G, D1254G.
Identifiers: ClinVar variation 1337931 (VCV001337931.16), dbSNP rs368705077, ClinGen allele CA5447964.

ClinVar aggregate classification (germline): Conflicting classifications of pathogenicity. Review status: criteria provided, conflicting classifications (1 of 4 stars). 7 submissions from 7 submitters: Uncertain significance (4); Likely benign (2). 1 of the submissions does not count toward it. Last evaluated 2025-11-16.

Conditions:
ANKRD26-related disorder. Also called: ANKRD26-related condition.
Inborn genetic diseases. Identifiers: MedGen C0950123, MeSH D030342.
Thrombocytopenia 2 (THC2). Also called: ANKRD26-Related Thrombocytopenia. Identifiers: Orphanet 268322, MedGen C1861185, MONDO:0008555, OMIM 188000.

Allele frequency attached by ClinVar (database versions not stated): gnomAD exomes 0.00006; ExAC 0.00008; ESP Exome Variant Server 0.00008; gnomAD 0.00024 and 0.00025; TOPMed 0.00027; 1000 Genomes Project 0.00060; 1000 Genomes Project 30x 0.00062.
gnomAD v4.1: 68 of 1,612,568 alleles (0.0042%); highest among the groups gnomAD compares: African/African-American, 0.073%; no homozygotes.

Submissions (7):

Labcorp Genetics (formerly Invitae), Labcorp
Classification: Likely benign. Last evaluated: 2025-11-16. Review status: criteria provided, single submitter. Criteria: Invitae Variant Classification Sherloc (09022015). Collection method: clinical testing. Allele origin: germline.

Ambry Genetics
Classification: Uncertain significance for Inborn genetic diseases. Last evaluated: 2025-08-02. Review status: criteria provided, single submitter. Criteria: Ambry Variant Classification Scheme 2023. Collection method: clinical testing. Allele origin: germline.

GeneDx
Classification: Uncertain significance. Last evaluated: 2024-07-12. Review status: criteria provided, single submitter. Criteria: GeneDx Variant Classification Process June 2021. Collection method: clinical testing. Allele origin: germline. Affected: yes.
Comment: In silico analysis supports that this missense variant has a deleterious effect on protein structure/function; Has not been previously published as pathogenic or benign to our knowledge; In silico analysis supports a deleterious effect on splicing

St. Jude Molecular Pathology, St. Jude Children's Research Hospital
Classification: Uncertain significance for Thrombocytopenia 2. Last evaluated: 2023-03-29. Review status: criteria provided, single submitter. Criteria: St. Jude Assertion Criteria 2020. Collection method: clinical testing. Allele origin: germline.
Comment: The ANKRD26 c.3761A>G (p.Asp1254Gly) missense change has a maximum subpopulation frequency of 0.066% in gnomAD v2.1.1. This variant is not located in the 5’ UTR. The in silico tool REVEL predicts a benign effect on protein function, but to our knowledge this prediction has not been confirmed by functional studies. To our knowledge, this variant has not been reported in individuals with thrombocytopenia and/or myeloid malignancies. In summary, the evidence currently available is insufficient to determine the clinical significance of this variant. It has therefore been classified as of uncertain significance.

Blueprint Genetics
Classification: Likely benign. Last evaluated: 2023-01-26. Review status: criteria provided, single submitter. Criteria: ACMG Guidelines, 2015. Collection method: clinical testing. Allele origin: germline.

Genetic Services Laboratory, University of Chicago
Classification: Uncertain significance. Last evaluated: 2021-05-03. Review status: criteria provided, single submitter. Criteria: ACMG Guidelines, 2015. Collection method: clinical testing. Allele origin: germline. Affected: no.
Comment: DNA sequence analysis of the ANKRD26 gene demonstrated a sequence change, c.3761A>G, in exon 25 that results in an amino acid change, p.Asp1254Gly. This sequence change has been described in gnomAD with a frequency of 0.066% in the African/African-American sub-population (dbSNP rs368705077). The p.Asp1254Gly change affects a moderately conserved amino acid residue located in a domain of the ANKRD26 protein that is not known to be functional. The p.Asp1254Gly substitution appears to be benign using several in-silico pathogenicity prediction tools (SIFT, PolyPhen2, Align GVGD, REVEL). This sequence change does not appear to have been previously described in patients with ANKRD26-related disorders. Due to the lack of sufficient evidences, the clinical significance of the p.Asp1254Gly change remains unknown at this time.

PreventionGenetics, part of Exact Sciences
Classification: Likely benign for ANKRD26-related condition. Last evaluated: 2022-02-24. Review status: no assertion criteria provided. Collection method: clinical testing. Allele origin: germline. Not counted in ClinVar's aggregate classification.
Comment: This variant is classified as likely benign based on ACMG/AMP sequence variant interpretation guidelines (Richards et al. 2015 PMID: 25741868, with internal and published modifications).